The following is an entry in ClinVar:

NM_012431.3(SEMA3E):c.955G>A (p.Asp319Asn)

Gene: SEMA3E (semaphorin 3E; minus strand). Cytogenetic location: 7q21.11.
Variant type: single nucleotide variant.
Coding change: c.955G>A on transcript NM_012431.3 (MANE Select); coding-DNA position 955, G replaced by A.
Protein change: p.Asp319Asn; replaces aspartic acid 319 with asparagine.
Molecular consequence: missense variant.
Genome position (GRCh38, 1-based): chr7:83,405,493, C>T on the plus strand (G>A on the coding strand, the complement: SEMA3E is on the minus strand). VCF-style: chr7-83405493-C-T. GRCh37 (hg19) VCF-style: chr7-83034809-C-T.
Other names: c.775G>A, p.Asp259Asn (NM_001178129.2); short protein forms D259N, D319N.
Identifiers: ClinVar variation 863085 (VCV000863085.9), dbSNP rs1788311567, ClinGen allele CA367929455.
Genomic context (GRCh38, chr7:83,405,493, plus strand): 5'-CTGTATAAATTTCTCACCTGGTAGTGTTAAAGAGTCCAAATATCACTGGATTCTTATGAT[C>T]TCTGGTAGGTAGCAAAAAAACGTCCTCTGAAAAATTAAAGGCCATTCCATCGCTTAGTAT-3'
Protein context (NP_036563.1, residues 309-329): LEDVFLLPTR[Asp319Asn]HKNPVIFGLF

ClinVar aggregate classification (germline): Uncertain significance (1 of 4 stars; one submission).

Conditions:
CHARGE syndrome (CHARGE). Also called: CHARGE ASSOCIATION--COLOBOMA, HEART ANOMALY, CHOANAL ATRESIA, RETARDATION, GENITAL AND EAR ANOMALIES; Coloboma, heart anomaly, choanal atresia, retardation, genital and ear anomalies; CHARGE association; Hall-Hittner syndrome; Hittner Hirsch Kreh syndrome. Identifiers: Orphanet 138, MedGen C0265354, MONDO:0008965.

Allele frequency attached by ClinVar (database versions not stated): gnomAD exomes below 0.00001.
gnomAD v4.1: 1 of 1,613,020 alleles (0.000062%); highest among the groups gnomAD compares: Non-Finnish European, 0.000085%; no homozygotes.

Submission:

Labcorp Genetics (formerly Invitae), Labcorp
Classification: Uncertain significance for CHARGE syndrome. Last evaluated: 2019-12-12. Review status: criteria provided, single submitter. Criteria: Invitae Variant Classification Sherloc (09022015). Collection method: clinical testing. Allele origin: germline.
Comment: In summary, the available evidence is currently insufficient to determine the role of this variant in disease. Therefore, it has been classified as a Variant of Uncertain Significance. Algorithms developed to predict the effect of missense changes on protein structure and function are either unavailable or do not agree on the potential impact of this missense change (SIFT: "Deleterious"; PolyPhen-2: "Possibly Damaging"; Align-GVGD: "Class C0"). This sequence change replaces aspartic acid with asparagine at codon 319 of the SEMA3E protein (p.Asp319Asn). The aspartic acid residue is highly conserved and there is a small physicochemical difference between aspartic acid and asparagine. This variant is not present in population databases (ExAC no frequency). This variant has not been reported in the literature in individuals with SEMA3E-related conditions.